The following is an entry in ClinVar:

NM_172240.3(POC1B):c.1078C>T (p.Pro360Ser)

Genes: POC1B-DUSP6 (POC1B-DUSP6 readthrough; minus strand), POC1B (POC1 centriolar protein B; minus strand). Cytogenetic location: 12q21.33.
Variant type: single nucleotide variant.
Coding change: c.1078C>T on transcript NM_172240.3 (MANE Select); coding-DNA position 1078, C replaced by T.
Protein change: p.Pro360Ser; replaces proline 360 with serine.
Molecular consequence: missense variant. On other transcripts: non-coding transcript variant (2).
Genome position (GRCh38, 1-based): chr12:89,459,673, G>A on the plus strand (C>T on the coding strand, the complement: POC1B is on the minus strand). VCF-style: chr12-89459673-G-A. GRCh37 (hg19) VCF-style: chr12-89853450-G-A.
Other names: c.952C>T, p.Pro318Ser (NM_001199777.2); c.1078C>T (NM_172240.2); short protein forms P360S, P318S.
Identifiers: ClinVar variation 1409216 (VCV001409216.9), dbSNP rs1175914378, ClinGen allele CA385992280.

ClinVar aggregate classification (germline): Uncertain significance. Review status: criteria provided, multiple submitters, no conflicts (2 of 4 stars). 2 submissions from 2 submitters: Uncertain significance (2). Last evaluated 2025-03-22.

Conditions:
Inborn genetic diseases. Identifiers: MedGen C0950123, MeSH D030342.

Allele frequency attached by ClinVar (database versions not stated): TOPMed 0.00001.

Submissions (2):

Ambry Genetics
Classification: Uncertain significance for Inborn genetic diseases. Last evaluated: 2025-03-22. Review status: criteria provided, single submitter. Criteria: Ambry Variant Classification Scheme 2023. Collection method: clinical testing. Allele origin: germline.

Labcorp Genetics (formerly Invitae), Labcorp
Classification: Uncertain significance. Last evaluated: 2022-05-16. Review status: criteria provided, single submitter. Criteria: Invitae Variant Classification Sherloc (09022015). Collection method: clinical testing. Allele origin: germline.
Comment: This sequence change replaces proline, which is neutral and non-polar, with serine, which is neutral and polar, at codon 360 of the POC1B protein (p.Pro360Ser). This variant is not present in population databases (gnomAD no frequency). This variant has not been reported in the literature in individuals affected with POC1B-related conditions. Algorithms developed to predict the effect of missense changes on protein structure and function are either unavailable or do not agree on the potential impact of this missense change (SIFT: "Tolerated"; PolyPhen-2: "Possibly Damaging"; Align-GVGD: "Class C0"). In summary, the available evidence is currently insufficient to determine the role of this variant in disease. Therefore, it has been classified as a Variant of Uncertain Significance.